The following is an entry in ClinVar:

NM_014920.5(CILK1):c.1426C>T (p.Arg476Ter)

Gene: CILK1 (ciliogenesis associated kinase 1; minus strand). Cytogenetic location: 6p12.1.
Variant type: single nucleotide variant.
Coding change: c.1426C>T on transcript NM_014920.5 (MANE Select); coding-DNA position 1426, C replaced by T.
Protein change: p.Arg476Ter; replaces arginine 476 with a stop codon.
Molecular consequence: nonsense. On other transcripts: non-coding transcript variant (1).
Genome position (GRCh38, 1-based): chr6:53,011,835, G>A on the plus strand (C>T on the coding strand, the complement: CILK1 is on the minus strand). VCF-style: chr6-53011835-G-A. GRCh37 (hg19) VCF-style: chr6-52876633-G-A.
Other names: c.1447C>T, p.Arg483Ter (NM_001375397.1); c.1426C>T, p.Arg476Ter (NM_001375398.1, NM_001375399.1, NM_001375400.1 and 3 more transcripts); c.1426C>T (NM_016513.4); short protein forms R476*, R483*.
Identifiers: ClinVar variation 2093365 (VCV002093365.5), dbSNP rs1377728856, ClinGen allele CA364466865.

ClinVar aggregate classification (germline): Uncertain significance. Review status: criteria provided, multiple submitters, no conflicts (2 of 4 stars). 2 submissions from 2 submitters: Uncertain significance (2). Last evaluated 2023-08-23.

Conditions:
Endocrine-cerebro-osteodysplasia syndrome. Identifiers: Orphanet 199332, MedGen C2675227, MONDO:0012980, OMIM 612651.

Allele frequency attached by ClinVar (database versions not stated): gnomAD exomes below 0.00001; TOPMed 0.00001.
gnomAD v4.1: 7 of 1,614,124 alleles (0.00043%); highest among the groups gnomAD compares: Non-Finnish European, 0.00051%; no homozygotes.

Submissions (2):

Revvity Omics, Revvity
Classification: Uncertain significance for Endocrine-cerebro-osteodysplasia syndrome. Last evaluated: 2023-08-23. Review status: criteria provided, single submitter. Criteria: ACMG Guidelines, 2015. Collection method: clinical testing. Allele origin: germline.

Labcorp Genetics (formerly Invitae), Labcorp
Classification: Uncertain significance. Last evaluated: 2022-11-17. Review status: criteria provided, single submitter. Criteria: Invitae Variant Classification Sherloc (09022015). Collection method: clinical testing. Allele origin: germline.
Comment: In summary, the available evidence is currently insufficient to determine the role of this variant in disease. Therefore, it has been classified as a Variant of Uncertain Significance. Algorithms developed to predict the effect of sequence changes on RNA splicing suggest that this variant may create or strengthen a splice site. This variant has not been reported in the literature in individuals affected with ICK-related conditions. This variant is not present in population databases (gnomAD no frequency). This sequence change creates a premature translational stop signal (p.Arg476*) in the ICK gene. It is expected to result in an absent or disrupted protein product. However, the current clinical and genetic evidence is not sufficient to establish whether loss-of-function variants in ICK cause disease.